The following is an entry in ClinVar:

ClinVar aggregate classification (germline): Uncertain significance (1 of 4 stars; one submission).

Submission:

GeneDx
Classification: Uncertain significance. Last evaluated: 2024-12-06. Review status: criteria provided, single submitter. Criteria: GeneDx Variant Classification Process June 2021. Collection method: clinical testing. Allele origin: germline. Affected: yes.
Comment: Not observed at significant frequency in large population cohorts (gnomAD); In silico analysis supports that this missense variant has a deleterious effect on protein structure/function; Has not been previously published as pathogenic or benign to our knowledge

NM_014991.6(WDFY3):c.8288G>A (p.Arg2763Gln)

Gene: WDFY3 (WD repeat and FYVE domain containing 3; minus strand). Cytogenetic location: 4q21.23.
Variant type: single nucleotide variant.
Coding change: c.8288G>A on transcript NM_014991.6 (MANE Select); coding-DNA position 8288, G replaced by A.
Protein change: p.Arg2763Gln; replaces arginine 2763 with glutamine.
Molecular consequence: missense variant.
Genome position (GRCh38, 1-based): chr4:84,705,441, C>T on the plus strand (G>A on the coding strand, the complement: WDFY3 is on the minus strand). VCF-style: chr4-84705441-C-T. GRCh37 (hg19) VCF-style: chr4-85626594-C-T.
Other names: short protein forms R2763Q.
Identifiers: ClinVar variation 3903300 (VCV003903300.1).